The following is an entry in ClinVar:

NM_006059.4(LAMC3):c.92G>T (p.Arg31Leu)

Gene: LAMC3 (laminin subunit gamma 3; plus strand). Cytogenetic location: 9q34.12.
Variant type: single nucleotide variant.
Coding change: c.92G>T on transcript NM_006059.4 (MANE Select); coding-DNA position 92, G replaced by T.
Protein change: p.Arg31Leu; replaces arginine 31 with leucine.
Molecular consequence: missense variant.
Genome position (GRCh38, 1-based): chr9:131,009,306, G>T. VCF-style: chr9-131009306-G-T. GRCh37 (hg19) VCF-style: chr9-133884693-G-T.
Other names: short protein forms R31L.
Identifiers: ClinVar variation 129475 (VCV000129475.23), dbSNP rs116259120, ClinGen allele CA153516.

ClinVar aggregate classification (germline): Benign. Review status: criteria provided, multiple submitters, no conflicts (2 of 4 stars). 5 submissions from 5 submitters: Benign (4). 1 of the submissions does not count toward it. Last evaluated 2026-02-03.

Allele frequency attached by ClinVar (database versions not stated): gnomAD exomes 0.00147; ExAC 0.00229; ESP Exome Variant Server 0.01261; gnomAD 0.01919 and 0.02047; TOPMed 0.02132; 1000 Genomes Project 0.02895; 1000 Genomes Project 30x 0.02967.
gnomAD v4.1: 5,389 of 1,443,812 alleles (0.37%); highest among the groups gnomAD compares: African/African-American, 6.7%; 163 homozygotes.

Submissions (5):

Labcorp Genetics (formerly Invitae), Labcorp
Classification: Benign. Last evaluated: 2026-02-03. Review status: criteria provided, single submitter. Criteria: Invitae Variant Classification Sherloc (09022015). Collection method: clinical testing. Allele origin: germline.

Eurofins Ntd Llc (ga)
Classification: Benign. Last evaluated: 2016-08-12. Review status: criteria provided, single submitter. Criteria: EGL Classification Definitions 2015. Collection method: clinical testing. Allele origin: germline. Observed: 1 variant allele, 1 heterozygote.

GeneDx
Classification: Benign. Last evaluated: 2015-03-03. Review status: criteria provided, single submitter. Criteria: GeneDx Variant Classification Process June 2021. Collection method: clinical testing. Allele origin: germline. Affected: yes.

Breakthrough Genomics
Classification: Benign. Review status: criteria provided, single submitter. Criteria: ACMG Guidelines, 2015. Collection method: not provided. Allele origin: germline. Inheritance: Autosomal recessive inheritance. Affected: yes.

Genetic Services Laboratory, University of Chicago
Classification: Likely benign for AllHighlyPenetrant. Review status: no assertion criteria provided. Collection method: clinical testing. Allele origin: germline. Inheritance: X-linked inheritance. Not counted in ClinVar's aggregate classification.
Comment: Likely benign based on allele frequency in 1000 Genomes Project or ESP global frequency and its presence in a patient with a rare or unrelated disease phenotype. NOT Sanger confirmed.